The following is an entry in ClinVar:

NM_004577.4(PSPH):c.115G>A (p.Gly39Ser)

Gene: PSPH (phosphoserine phosphatase; minus strand). Cytogenetic location: 7p11.2.
Variant type: single nucleotide variant.
Coding change: c.115G>A on transcript NM_004577.4 (MANE Select); coding-DNA position 115, G replaced by A.
Protein change: p.Gly39Ser; replaces glycine 39 with serine.
Molecular consequence: missense variant.
Genome position (GRCh38, 1-based): chr7:56,021,098, C>T on the plus strand (G>A on the coding strand, the complement: PSPH is on the minus strand). VCF-style: chr7-56021098-C-T. GRCh37 (hg19) VCF-style: chr7-56088791-C-T.
Other names: c.115G>A, p.Gly39Ser (NM_001370503.1, NM_001370504.1, NM_001370505.1 and 17 more transcripts); short protein forms G39S.
Identifiers: ClinVar variation 908538 (VCV000908538.18), dbSNP rs147077540, ClinGen allele CA4268812.

ClinVar aggregate classification (germline): Conflicting classifications of pathogenicity. Review status: criteria provided, conflicting classifications (1 of 4 stars). 2 submissions from 2 submitters: Uncertain significance (1); Likely benign (1). Last evaluated 2026-08-01.

Conditions:
Deficiency of phosphoserine phosphatase (PSPHD). Also called: Phosphoserine phosphatase deficiency; PSPH deficiency. Identifiers: Orphanet 79350, MedGen C1291463, MONDO:0013531, OMIM 614023.

Allele frequency attached by ClinVar (database versions not stated): ExAC 0.00089; gnomAD exomes 0.00098 and 0.00076; gnomAD 0.00062 and 0.00066; TOPMed 0.00069; ESP Exome Variant Server 0.00077.
gnomAD v4.1: 1,504 of 1,614,058 alleles (0.093%); highest among the groups gnomAD compares: Non-Finnish European, 0.12%; no homozygotes.

Submissions (2):

CeGaT Center for Human Genetics Tuebingen
Classification: Likely benign. Last evaluated: 2026-08-01. Review status: criteria provided, single submitter. Criteria: CeGaT Center For Human Genetics Tuebingen Variant Classification Criteria Version 2. Collection method: clinical testing. Allele origin: germline. Affected: yes. Observed: 2 variant alleles.
Comment: PSPH: BS1

Illumina Laboratory Services, Illumina
Classification: Uncertain significance for Deficiency of phosphoserine phosphatase. Last evaluated: 2018-01-13. Review status: criteria provided, single submitter. Criteria: ICSL Variant Classification Criteria 13 December 2019. Collection method: clinical testing. Allele origin: germline.